The following is an entry in ClinVar:

NM_002439.5(MSH3):c.2785A>G (p.Ile929Val)

Gene: MSH3 (mutS homolog 3; plus strand). Cytogenetic location: 5q14.1.
Variant type: single nucleotide variant.
Coding change: c.2785A>G on transcript NM_002439.5 (MANE Select); coding-DNA position 2785, A replaced by G.
Protein change: p.Ile929Val; replaces isoleucine 929 with valine.
Molecular consequence: missense variant.
Genome position (GRCh38, 1-based): chr5:80,813,713, A>G. VCF-style: chr5-80813713-A-G. GRCh37 (hg19) VCF-style: chr5-80109532-A-G.
Other names: short protein forms I929V.
Identifiers: ClinVar variation 656531 (VCV000656531.15), dbSNP rs759266003, ClinGen allele CA3328357.

ClinVar aggregate classification (germline): Conflicting classifications of pathogenicity. Review status: criteria provided, conflicting classifications (1 of 4 stars). 3 submissions from 3 submitters: Uncertain significance (2); Likely benign (1). Last evaluated 2025-12-01.

Conditions:
Hereditary cancer-predisposing syndrome. Also called: Hereditary neoplastic syndrome; Tumor predisposition; Neoplastic Syndromes, Hereditary; Hereditary Cancer Syndrome. Identifiers: Orphanet 140162, MedGen C0027672, MeSH D009386, MONDO:0015356.

Allele frequency attached by ClinVar (database versions not stated): TOPMed 0.00001; ExAC 0.00001.
gnomAD v4.1: 17 of 1,614,046 alleles (0.0011%); highest among the groups gnomAD compares: African/African-American, 0.0013%; no homozygotes.

Submissions (3):

Labcorp Genetics (formerly Invitae), Labcorp
Classification: Uncertain significance. Last evaluated: 2025-12-01. Review status: criteria provided, single submitter. Criteria: Invitae Variant Classification Sherloc (09022015). Collection method: clinical testing. Allele origin: germline.
Comment: This sequence change replaces isoleucine, which is neutral and non-polar, with valine, which is neutral and non-polar, at codon 929 of the MSH3 protein (p.Ile929Val). This variant is present in population databases (rs759266003, gnomAD 0.003%). This variant has not been reported in the literature in individuals affected with MSH3-related conditions. ClinVar contains an entry for this variant (Variation ID: 656531). An algorithm developed to predict the effect of missense changes on protein structure and function outputs the following: PolyPhen-2: "Benign". The valine amino acid residue is found in multiple mammalian species, which suggests that this missense change does not adversely affect protein function. In summary, the available evidence is currently insufficient to determine the role of this variant in disease. Therefore, it has been classified as a Variant of Uncertain Significance.

Ambry Genetics
Classification: Likely benign for Hereditary cancer-predisposing syndrome. Last evaluated: 2025-11-18. Review status: criteria provided, single submitter. Criteria: Ambry Variant Classification Scheme 2023. Collection method: clinical testing. Allele origin: germline.

GeneDx
Classification: Uncertain significance. Last evaluated: 2024-08-25. Review status: criteria provided, single submitter. Criteria: GeneDx Variant Classification Process June 2021. Collection method: clinical testing. Allele origin: germline. Affected: yes.
Comment: Not observed at significant frequency in large population cohorts (gnomAD); In silico analysis indicates that this missense variant does not alter protein structure/function; Has not been previously published as pathogenic or benign to our knowledge